The following is an entry in ClinVar:

NM_000719.7(CACNA1C):c.4249G>T (p.Ala1417Ser)

Gene: CACNA1C (calcium voltage-gated channel subunit alpha1 C; plus strand). Cytogenetic location: 12p13.33.
Variant type: single nucleotide variant.
Coding change: c.4249G>T on transcript NM_000719.7 (MANE Select); coding-DNA position 4249, G replaced by T.
Protein change: p.Ala1417Ser; replaces alanine 1417 with serine.
Molecular consequence: missense variant.
Genome position (GRCh38, 1-based): chr12:2,664,841, G>T. VCF-style: chr12-2664841-G-T. GRCh37 (hg19) VCF-style: chr12-2774007-G-T.
Other names: c.4249G>T, p.Ala1417Ser (NM_001129833.2, NM_001129834.2, NM_001129835.2 and 7 more transcripts); c.4300G>T, p.Ala1434Ser (NM_001129836.2); c.4216G>T, p.Ala1406Ser (NM_001129837.2, NM_001129838.2, NM_001129846.2 and 1 more transcripts); c.4210G>T, p.Ala1404Ser (NM_001129839.2); c.4315G>T, p.Ala1439Ser (NM_001129829.2); c.4333G>T, p.Ala1445Ser (NM_001129831.2); c.4309G>T, p.Ala1437Ser (NM_001129832.2); c.4240G>T, p.Ala1414Ser (NM_001129844.2); and 1 more; short protein forms A1404S, A1406S, A1434S, A1439S, A1414S, A1417S, A1437S, A1445S.
Identifiers: ClinVar variation 5005084 (VCV005005084.2).
Genomic context (GRCh38, chr12:2,664,841, plus strand): 5'-TCTGTAGGATGGGCTGCATGAACGTGGCTCTCCCTCCCCTCCAGGTGTGCCACCGGGGAG[G>T]CCTGGCAGGACATCATGCTGGCCTGCATGCCAGGCAAGAAGTGTGCCCCAGAGTCCGAGC-3'
Protein context (NP_000710.5, residues 1407-1427): LLLFRCATGE[Ala1417Ser]WQDIMLACMP

ClinVar aggregate classification (germline): Uncertain significance (1 of 4 stars; one submission).

Conditions:
Neurodevelopmental disorder with hypotonia, language delay, and skeletal defects with or without seizures (NEDHLSS). Identifiers: MedGen C5774213, MONDO:0859286, OMIM 620029.
Long QT syndrome 8. Identifiers: MedGen CN260585, MONDO:0032756, OMIM 618447.
Brugada syndrome 3 (BRGDA3). Identifiers: Orphanet 130, MedGen C2678478, MONDO:0012742, OMIM 611875.
Timothy syndrome (TS). Also called: LONG QT SYNDROME WITH SYNDACTYLY. Identifiers: Orphanet 65283, MedGen C1832916, MeSH C536962, MONDO:0010979, OMIM 601005.

Submission:

Juno Genomics, Hangzhou Juno Genomics, Inc
Classification: Uncertain significance for Neurodevelopmental disorder with hypotonia, language delay, and skeletal defects with or without seizures; Brugada syndrome 3; Long QT syndrome 8; Timothy syndrome. Review status: criteria provided, single submitter. Criteria: ACMG Guidelines, 2015. Collection method: clinical testing. Allele origin: germline.
Comment: Absent from controls (or at extremely low frequency if recessive) in Genome Aggregation Database.;Missense variant in a gene that has a low rate of benign missense variation.;Multiple lines of computational evidence support a deleterious effect on the gene or gene product.